The following is an entry in ClinVar:

NM_030777.4(SLC2A10):c.984C>A (p.Ser328Arg)

Gene: SLC2A10 (solute carrier family 2 member 10; plus strand). Cytogenetic location: 20q13.12.
Variant type: single nucleotide variant.
Coding change: c.984C>A on transcript NM_030777.4 (MANE Select); coding-DNA position 984, C replaced by A.
Protein change: p.Ser328Arg; replaces serine 328 with arginine.
Molecular consequence: missense variant.
Genome position (GRCh38, 1-based): chr20:46,726,020, C>A. VCF-style: chr20-46726020-C-A. GRCh37 (hg19) VCF-style: chr20-45354659-C-A.
Other names: short protein forms S328R.
Identifiers: ClinVar variation 5029623 (VCV005029623.1).
Genomic context (GRCh38, chr20:46,726,020, plus strand): 5'-CCTGTCCGTCAGTGGCATAGGCCTCGTCAGCTTTGCCGTGCCCATGGACTCAGGCCCAAG[C>A]TGTCTGGCTGTGCCCAATGCCACCGGGCAGACAGGCCTCCCTGGAGACTCTGGCCTGCTG-3'
Protein context (NP_110404.1, residues 318-338): SFAVPMDSGP[Ser328Arg]CLAVPNATGQ

ClinVar aggregate classification (germline): Uncertain significance (1 of 4 stars; one submission).

Conditions:
Familial thoracic aortic aneurysm and aortic dissection (TAAD). Also called: Thoracic aortic aneurysms and dissections. Identifiers: Orphanet 91387, MedGen C4707243, MONDO:0019625.

Submission:

Ambry Genetics
Classification: Uncertain significance for Familial thoracic aortic aneurysm and aortic dissection. Last evaluated: 2026-06-15. Review status: criteria provided, single submitter. Criteria: Ambry Variant Classification Scheme 2023. Collection method: clinical testing. Allele origin: germline.
Comment: The p.S328R variant (also known as c.984C>A), located in coding exon 2 of the SLC2A10 gene, results from a C to A substitution at nucleotide position 984. The serine at codon 328 is replaced by arginine, an amino acid with dissimilar properties. This amino acid position is conserved. In addition, this alteration is predicted to be tolerated by in silico analysis. Based on the available evidence, the clinical significance of this variant remains unclear.